The following is an entry in ClinVar:

ClinVar aggregate classification (germline): Uncertain significance (1 of 4 stars; one submission).

gnomAD v4.1: 7 of 1,442,836 alleles (0.00049%); highest among the groups gnomAD compares: African/African-American, 0.0014%; no homozygotes.

Submission:

Labcorp Genetics (formerly Invitae), Labcorp
Classification: Uncertain significance. Last evaluated: 2023-02-07. Review status: criteria provided, single submitter. Criteria: Invitae Variant Classification Sherloc (09022015). Collection method: clinical testing. Allele origin: germline.
Comment: This variant is not present in population databases (gnomAD no frequency). This sequence change replaces arginine, which is basic and polar, with histidine, which is basic and polar, at codon 77 of the DSCAML1 protein (p.Arg77His). This variant has not been reported in the literature in individuals affected with DSCAML1-related conditions. In summary, the available evidence is currently insufficient to determine the role of this variant in disease. Therefore, it has been classified as a Variant of Uncertain Significance. Algorithms developed to predict the effect of missense changes on protein structure and function (SIFT, PolyPhen-2, Align-GVGD) all suggest that this variant is likely to be tolerated.

NM_020693.4(DSCAML1):c.50G>A (p.Arg17His)

Gene: DSCAML1 (DS cell adhesion molecule like 1; minus strand). Cytogenetic location: 11q23.3.
Variant type: single nucleotide variant.
Coding change: c.50G>A on transcript NM_020693.4 (MANE Select); coding-DNA position 50, G replaced by A.
Protein change: p.Arg17His; replaces arginine 17 with histidine.
Molecular consequence: missense variant. On other transcripts: 5 prime UTR variant (1).
Genome position (GRCh38, 1-based): chr11:117,780,807, C>T on the plus strand (G>A on the coding strand, the complement: DSCAML1 is on the minus strand). VCF-style: chr11-117780807-C-T. GRCh37 (hg19) VCF-style: chr11-117651522-C-T.
Other names: c.50G>A, p.Arg17His (NM_001367904.1); c.-359G>A (NM_001367905.1); short protein forms R17H.
Identifiers: ClinVar variation 1994047 (VCV001994047.4), dbSNP rs766813596, ClinGen allele CA229406139.